The following is an entry in ClinVar:

ClinVar aggregate classification (germline): Likely benign (1 of 4 stars; one submission).

Conditions:
PHF6-related disorder. Also called: PHF6-related condition.

Submission:

PreventionGenetics, part of Exact Sciences
Classification: Likely benign for PHF6-related condition. Last evaluated: 2025-07-25. Review status: criteria provided, single submitter. Criteria: ACMG Guidelines, 2015. Collection method: clinical testing. Allele origin: germline.
Comment: This variant is classified as likely benign based on ACMG/AMP sequence variant interpretation guidelines (Richards et al. 2015 PMID: 25741868, with internal and published modifications).

NM_001015877.2(PHF6):c.834+110G>C

Gene: PHF6 (PHD finger protein 6; plus strand). Cytogenetic location: Xq26.2.
Variant type: single nucleotide variant.
Coding change: c.834+110G>C on transcript NM_001015877.2 (MANE Select); 110 bases into the intron after coding-DNA position 834, G replaced by C.
Molecular consequence: intron variant. On other transcripts: 3 prime UTR variant (1).
Genome position (GRCh38, 1-based): chrX:134,415,230, G>C. VCF-style: chrX-134415230-G-C. GRCh37 (hg19) VCF-style: chrX-133549260-G-C.
Other names: c.*8G>C (NM_032335.3); c.834+110G>C (NM_032458.3).
Identifiers: ClinVar variation 4985617 (VCV004985617.1).